The following is an entry in ClinVar:

ClinVar aggregate classification (germline): Pathogenic (1 of 4 stars; one submission).

Conditions:
VPS13A-related neurodegenerative disease. Also called: ACANTHOCYTOSIS WITH NEUROLOGIC DISORDER; LEVINE-CRITCHLEY SYNDROME; Choreoacanthocytosis; Chorea-acanthocytosis; VPS13A Disease; Choreaacanthocytosis. Identifiers: Orphanet 2388, MedGen C0393576, MONDO:0008695, OMIM 200150.

Submission:

Myriad Genetics, Inc.
Classification: Pathogenic for VPS13A-related neurodegenerative disease. Last evaluated: 2024-05-14. Review status: criteria provided, single submitter. Criteria: Myriad Autosomal Dominant, Autosomal Recessive and X-Linked Classification Criteria (2023). Collection method: clinical testing. Allele origin: unknown.
Comment: NM_033305.2(VPS13A):c.8089C>T(Q2697*) is expected to be pathogenic in the context of VPS13A disease. This variant is predicted to lead to an abnormal or absent protein product due to the creation of a premature termination codon in VPS13A, a gene where loss-of-function variants are known to be pathogenic. Please note: this variant was assessed in the context of healthy population screening.

NM_033305.3(VPS13A):c.8089C>T (p.Gln2697Ter)

Gene: VPS13A (vacuolar protein sorting 13 homolog A; plus strand). Cytogenetic location: 9q21.2.
Variant type: single nucleotide variant.
Coding change: c.8089C>T on transcript NM_033305.3 (MANE Select); coding-DNA position 8089, C replaced by T.
Protein change: p.Gln2697Ter; replaces glutamine 2697 with a stop codon.
Molecular consequence: nonsense.
Genome position (GRCh38, 1-based): chr9:77,359,386, C>T. VCF-style: chr9-77359386-C-T. GRCh37 (hg19) VCF-style: chr9-79974302-C-T.
Other names: c.7972C>T, p.Gln2658Ter (NM_001018037.2); c.8089C>T, p.Gln2697Ter (NM_001018038.3, NM_015186.4); short protein forms Q2697*, Q2658*.
Identifiers: ClinVar variation 5012380 (VCV005012380.1), dbSNP rs267602284.
Genomic context (GRCh38, chr9:77,359,386, plus strand): 5'-TTTACAGCACCAAAGCCCTTTACAGATGTCAGTATTGTCATGAGATCTGCAGGACATTCC[C>T]AGATATCACGTATTAAGTAAGTGTCTTAATACATTTCTTGTATATTTATTTAATGTTTGA-3'